The following is an entry in ClinVar:

ClinVar aggregate classification (germline): Likely benign. Review status: criteria provided, multiple submitters, no conflicts (2 of 4 stars). 2 submissions from 2 submitters: Likely benign (2). Last evaluated 2023-07-03.

Conditions:
Maple syrup urine disease (MSUD). Identifiers: Orphanet 511, MedGen C0024776, MeSH D008375, MONDO:0009563. Disease mechanism: loss of function.

Allele frequency attached by ClinVar (database versions not stated): gnomAD exomes below 0.00001; TOPMed 0.00002.
gnomAD v4.1: 10 of 1,599,666 alleles (0.00063%); highest among the groups gnomAD compares: Middle Eastern, 0.018%; no homozygotes.

Submissions (2):

Labcorp Genetics (formerly Invitae), Labcorp
Classification: Likely benign for Maple syrup urine disease. Last evaluated: 2023-07-03. Review status: criteria provided, single submitter. Criteria: Invitae Variant Classification Sherloc (09022015). Collection method: clinical testing. Allele origin: germline.

GeneDx
Classification: Likely benign. Last evaluated: 2017-01-27. Review status: criteria provided, single submitter. Criteria: GeneDx Variant Classification (06012015). Collection method: clinical testing. Allele origin: germline. Affected: yes.
Comment: This variant is considered likely benign or benign based on one or more of the following criteria: it is a conservative change, it occurs at a poorly conserved position in the protein, it is predicted to be benign by multiple in silico algorithms, and/or has population frequency not consistent with disease.

NM_183050.4(BCKDHB):c.196+8C>G

Gene: BCKDHB (branched chain keto acid dehydrogenase E1 subunit beta; plus strand). Cytogenetic location: 6q14.1.
Variant type: single nucleotide variant.
Coding change: c.196+8C>G on transcript NM_183050.4 (MANE Select); 8 bases into the intron after coding-DNA position 196, C replaced by G.
Molecular consequence: intron variant.
Genome position (GRCh38, 1-based): chr6:80,106,897, C>G. VCF-style: chr6-80106897-C-G. GRCh37 (hg19) VCF-style: chr6-80816614-C-G.
Other names: c.-15+214C>G (NM_001318975.1); c.196+8C>G (NM_000056.5).
Identifiers: ClinVar variation 506774 (VCV000506774.9), dbSNP rs1337392511, ClinGen allele CA568600940.